The following is an entry in ClinVar:

ClinVar aggregate classification (germline): Uncertain significance (1 of 4 stars; one submission).

Conditions:
Hereditary cancer-predisposing syndrome. Also called: Hereditary neoplastic syndrome; Tumor predisposition; Hereditary Cancer Syndrome; Neoplastic Syndromes, Hereditary. Identifiers: Orphanet 140162, MedGen C0027672, MeSH D009386, MONDO:0015356.

Allele frequency attached by ClinVar (database versions not stated): gnomAD 0.00001.

Submission:

Ambry Genetics
Classification: Uncertain significance for Hereditary cancer-predisposing syndrome. Last evaluated: 2023-07-05. Review status: criteria provided, single submitter. Criteria: Ambry Variant Classification Scheme 2023. Collection method: clinical testing. Allele origin: germline.
Comment: The p.A23T variant (also known as c.67G>A), located in coding exon 1 of the EPCAM gene, results from a G to A substitution at nucleotide position 67. The alanine at codon 23 is replaced by threonine, an amino acid with similar properties. This amino acid position is conserved. In addition, the in silico prediction for this alteration is inconclusive. Since supporting evidence is limited at this time, the clinical significance of this alteration remains unclear.

NM_002354.3(EPCAM):c.67G>A (p.Ala23Thr)

Gene: EPCAM (epithelial cell adhesion molecule; plus strand). Cytogenetic location: 2p21.
Variant type: single nucleotide variant.
Coding change: c.67G>A on transcript NM_002354.3 (MANE Select); coding-DNA position 67, G replaced by A.
Protein change: p.Ala23Thr; replaces alanine 23 with threonine.
Molecular consequence: missense variant.
Genome position (GRCh38, 1-based): chr2:47,369,572, G>A. VCF-style: chr2-47369572-G-A. GRCh37 (hg19) VCF-style: chr2-47596711-G-A.
Other names: short protein forms A23T.
Identifiers: ClinVar variation 2586729 (VCV002586729.2), dbSNP rs1671161764, ClinGen allele CA346721461.